The following is an entry in ClinVar:

ClinVar aggregate classification (germline): Uncertain significance (1 of 4 stars; one submission).

Submission:

Labcorp Genetics (formerly Invitae), Labcorp
Classification: Uncertain significance. Last evaluated: 2024-08-29. Review status: criteria provided, single submitter. Criteria: Invitae Variant Classification Sherloc (09022015). Collection method: clinical testing. Allele origin: germline.
Comment: This sequence change replaces valine, which is neutral and non-polar, with methionine, which is neutral and non-polar, at codon 384 of the TGFB1 protein (p.Val384Met). This variant is not present in population databases (gnomAD no frequency). This variant has not been reported in the literature in individuals affected with TGFB1-related conditions. Invitae Evidence Modeling of protein sequence and biophysical properties (such as structural, functional, and spatial information, amino acid conservation, physicochemical variation, residue mobility, and thermodynamic stability) indicates that this missense variant is expected to disrupt TGFB1 protein function with a positive predictive value of 80%. In summary, the available evidence is currently insufficient to determine the role of this variant in disease. Therefore, it has been classified as a Variant of Uncertain Significance.

NM_000660.7(TGFB1):c.1150G>A (p.Val384Met)

Gene: TGFB1 (transforming growth factor beta 1; minus strand). Cytogenetic location: 19q13.2.
Variant type: single nucleotide variant.
Coding change: c.1150G>A on transcript NM_000660.7 (MANE Select); coding-DNA position 1150, G replaced by A.
Protein change: p.Val384Met; replaces valine 384 with methionine.
Molecular consequence: missense variant.
Genome position (GRCh38, 1-based): chr19:41,331,075, C>T on the plus strand (G>A on the coding strand, the complement: TGFB1 is on the minus strand). VCF-style: chr19-41331075-C-T. GRCh37 (hg19) VCF-style: chr19-41836980-C-T.
Other names: short protein forms V384M.
Identifiers: ClinVar variation 3663982 (VCV003663982.2).